The following is an entry in ClinVar:

NM_002576.5(PAK1):c.251C>G (p.Thr84Arg)

Gene: PAK1 (p21 (RAC1) activated kinase 1; minus strand). Cytogenetic location: 11q13.5.
Variant type: single nucleotide variant.
Coding change: c.251C>G on transcript NM_002576.5 (MANE Select); coding-DNA position 251, C replaced by G.
Protein change: p.Thr84Arg; replaces threonine 84 with arginine.
Molecular consequence: missense variant. On other transcripts: 5 prime UTR variant (2), non-coding transcript variant (2), intron variant (2).
Genome position (GRCh38, 1-based): chr11:77,379,934, G>C on the plus strand (C>G on the coding strand, the complement: PAK1 is on the minus strand). VCF-style: chr11-77379934-G-C. GRCh37 (hg19) VCF-style: chr11-77090979-G-C.
Other names: c.251C>G, p.Thr84Arg (NM_001128620.2, NM_001376268.1, NM_001376269.1 and 27 more transcripts); c.-44C>G (NM_001376302.1, NM_001376305.1); c.-3-546C>G (NM_001376304.1); c.191-5569C>G (NM_001376301.1); short protein forms T84R.
Identifiers: ClinVar variation 2506576 (VCV002506576.2), dbSNP rs2540830299, ClinGen allele CA382169992.

ClinVar aggregate classification (germline): Likely pathogenic (0 of 4 stars; one submission).

Conditions:
Intellectual developmental disorder with macrocephaly, seizures, and speech delay. Identifiers: MedGen C4748428, MONDO:0032568, OMIM 618158.

Submission:

Pediatric Neurology, Shengjing Hospital of China Medical University
Classification: Likely pathogenic for Intellectual developmental disorder with macrocephaly, seizures, and speech delay. Review status: no assertion criteria provided. Collection method: clinical testing. Allele origin: de novo. Inheritance: Autosomal dominant inheritance. Affected: yes. Observed: 1 heterozygote.
Comment: PS2+PM1+PM2_Supporting+PP2+PP3=Likely pathogenic